The following is an entry in ClinVar:

ClinVar aggregate classification (germline): Benign/Likely benign. Review status: criteria provided, multiple submitters, no conflicts (2 of 4 stars). 4 submissions from 4 submitters: Benign (2); Likely benign (2). Last evaluated 2025-02-16.

Conditions:
Inborn genetic diseases. Identifiers: MedGen C0950123, MeSH D030342.

Submissions (4):

Laboratory of Genetics, Children's Clinical University Hospital Latvia
Classification: Likely benign. Last evaluated: 2025-02-16. Review status: criteria provided, single submitter. Criteria: ACMG Guidelines, 2015. Collection method: clinical testing. Allele origin: germline. Affected: yes.

Blueprint Genetics
Classification: Likely benign. Last evaluated: 2024-10-25. Review status: criteria provided, single submitter. Criteria: ACMG Guidelines, 2015. Collection method: clinical testing. Allele origin: germline.

CeGaT Center for Human Genetics Tuebingen
Classification: Benign. Last evaluated: 2023-08-01. Review status: criteria provided, single submitter. Criteria: CeGaT Center For Human Genetics Tuebingen Variant Classification Criteria Version 2. Collection method: clinical testing. Allele origin: germline. Affected: yes. Observed: 2 variant alleles.
Comment: IRF2BPL: BP3, BS1, BS2

Ambry Genetics
Classification: Benign for Inborn genetic diseases. Last evaluated: 2022-06-17. Review status: criteria provided, single submitter. Criteria: Ambry Variant Classification Scheme 2023. Collection method: clinical testing. Allele origin: germline.

NM_024496.4(IRF2BPL):c.462CGC[12] (p.Ala164_Val165insAlaAlaAla)

Gene: IRF2BPL (interferon regulatory factor 2 binding protein like; minus strand). Cytogenetic location: 14q24.3.
Variant type: Microsatellite.
Coding change: c.462CGC[12] on transcript NM_024496.4 (MANE Select); 12 copies in a row of the 3-base unit CGC starting at c.462; the reference has nine copies in a row; three copies, 9 bases duplicated.
Protein change: p.Ala164_Val165insAlaAlaAla.
Molecular consequence: inframe insertion.
Genome position (GRCh38, 1-based): chr14:77,027,305-77,027,313, GCGGCGGCG duplicated on the plus strand (CGCCGCCGC on the coding strand, the reverse complement: IRF2BPL is on the minus strand); duplicating any 9 consecutive bases within chr14:77,027,305-77,027,333 gives the same sequence; the position shown is the placement nearest the transcript's 3' end. VCF-style (leftmost placement, unchanged base first): chr14-77027304-A-AGCGGCGGCG. GRCh37 (hg19) VCF-style: chr14-77493647-A-AGCGGCGGCG.
Identifiers: ClinVar variation 2345581 (VCV002345581.28), dbSNP rs371633333, ClinGen allele CA615491201.